The following is an entry in ClinVar:

ClinVar aggregate classification (germline): Uncertain significance. Review status: criteria provided, multiple submitters, no conflicts (2 of 4 stars). 2 submissions from 2 submitters: Uncertain significance (2). Last evaluated 2024-04-08.

Conditions:
Spondyloepiphyseal dysplasia tarda, X-linked. Also called: SED TARDA, X-LINKED. Identifiers: MedGen C3541456, MONDO:0010737, OMIM 313400.

Allele frequency attached by ClinVar (database versions not stated): gnomAD exomes 0.00001; ExAC 0.00002.

Submissions (2):

Labcorp Genetics (formerly Invitae), Labcorp
Classification: Uncertain significance. Last evaluated: 2024-04-08. Review status: criteria provided, single submitter. Criteria: Invitae Variant Classification Sherloc (09022015). Collection method: clinical testing. Allele origin: germline.
Comment: This sequence change replaces tyrosine, which is neutral and polar, with cysteine, which is neutral and slightly polar, at codon 6 of the TRAPPC2 protein (p.Tyr6Cys). This variant is present in population databases (rs747064126, gnomAD 0.03%). This variant has not been reported in the literature in individuals affected with TRAPPC2-related conditions. ClinVar contains an entry for this variant (Variation ID: 1913562). An algorithm developed to predict the effect of missense changes on protein structure and function (PolyPhen-2) suggests that this variant is likely to be tolerated. In summary, the available evidence is currently insufficient to determine the role of this variant in disease. Therefore, it has been classified as a Variant of Uncertain Significance.

Juno Genomics, Hangzhou Juno Genomics, Inc
Classification: Uncertain significance for Spondyloepiphyseal dysplasia tarda, X-linked. Review status: criteria provided, single submitter. Criteria: ACMG Guidelines, 2015. Collection method: clinical testing. Allele origin: germline.
Comment: Absent from controls (or at extremely low frequency if recessive) in Genome Aggregation Database.;Multiple lines of computational evidence support a deleterious effect on the gene or gene product.

NM_001011658.4(TRAPPC2):c.17A>G (p.Tyr6Cys)

Genes: OFD1 (OFD1 centriole and centriolar satellite protein; plus strand), TRAPPC2 (trafficking protein particle complex subunit 2; minus strand). Cytogenetic location: Xp22.2.
Variant type: single nucleotide variant.
Coding change: c.17A>G on transcript NM_001011658.4 (MANE Select); coding-DNA position 17, A replaced by G.
Protein change: p.Tyr6Cys; replaces tyrosine 6 with cysteine.
Molecular consequence: missense variant.
Genome position (GRCh38, 1-based): chrX:13,719,947, T>C on the plus strand (A>G on the coding strand, the complement: TRAPPC2 is on the minus strand). VCF-style: chrX-13719947-T-C. GRCh37 (hg19) VCF-style: chrX-13738066-T-C.
Other names: c.119A>G, p.Tyr40Cys (NM_001128835.3); c.17A>G, p.Tyr6Cys (NM_014563.6); short protein forms Y6C, Y40C.
Identifiers: ClinVar variation 1913562 (VCV001913562.6), dbSNP rs747064126, ClinGen allele CA10351478.